The following is an entry in ClinVar:

NM_001903.5(CTNNA1):c.1637G>A (p.Arg546Gln)

Gene: CTNNA1 (catenin alpha 1; plus strand). Cytogenetic location: 5q31.2.
Variant type: single nucleotide variant.
Coding change: c.1637G>A on transcript NM_001903.5 (MANE Select); coding-DNA position 1637, G replaced by A.
Protein change: p.Arg546Gln; replaces arginine 546 with glutamine.
Molecular consequence: missense variant.
Genome position (GRCh38, 1-based): chr5:138,924,600, G>A. VCF-style: chr5-138924600-G-A. GRCh37 (hg19) VCF-style: chr5-138260289-G-A.
Other names: c.1637G>A, p.Arg546Gln (NM_001290307.3, NM_001323982.2, NM_001323983.1 and 2 more transcripts); c.1328G>A, p.Arg443Gln (NM_001290309.3); c.1268G>A, p.Arg423Gln (NM_001290310.3); c.527G>A, p.Arg176Gln (NM_001290312.1, NM_001323987.1, NM_001323988.1 and 17 more transcripts); c.1544G>A, p.Arg515Gln (NM_001323986.2); c.188G>A, p.Arg63Gln (NM_001324006.1, NM_001324007.1, NM_001324008.1 and 2 more transcripts); c.434G>A, p.Arg145Gln (NM_001324011.1); c.284G>A, p.Arg95Gln (NM_001324012.1, NM_001324013.1); short protein forms R63Q, R95Q, R546Q, R145Q, R176Q, R423Q, R443Q, R515Q.
Identifiers: ClinVar variation 653882 (VCV000653882.13), dbSNP rs1348963276, ClinGen allele CA361131872.

ClinVar aggregate classification (germline): Uncertain significance. Review status: criteria provided, multiple submitters, no conflicts (2 of 4 stars). 2 submissions from 2 submitters: Uncertain significance (2). Last evaluated 2024-03-09.

Conditions:
Hereditary cancer-predisposing syndrome. Also called: Neoplastic Syndromes, Hereditary; Tumor predisposition; Hereditary Cancer Syndrome; Hereditary neoplastic syndrome. Identifiers: Orphanet 140162, MedGen C0027672, MeSH D009386, MONDO:0015356.

Allele frequency attached by ClinVar (database versions not stated): gnomAD exomes below 0.00001; TOPMed below 0.00001; gnomAD 0.00001.
gnomAD v4.1: 2 of 1,614,024 alleles (0.00012%); highest among the groups gnomAD compares: Non-Finnish European, 0.00017%; no homozygotes.

Submissions (2):

Labcorp Genetics (formerly Invitae), Labcorp
Classification: Uncertain significance. Last evaluated: 2024-03-09. Review status: criteria provided, single submitter. Criteria: Invitae Variant Classification Sherloc (09022015). Collection method: clinical testing. Allele origin: germline.
Comment: This sequence change replaces arginine, which is basic and polar, with glutamine, which is neutral and polar, at codon 546 of the CTNNA1 protein (p.Arg546Gln). This variant is present in population databases (no rsID available, gnomAD 0.007%). This variant has not been reported in the literature in individuals affected with CTNNA1-related conditions. ClinVar contains an entry for this variant (Variation ID: 653882). Advanced modeling of protein sequence and biophysical properties (such as structural, functional, and spatial information, amino acid conservation, physicochemical variation, residue mobility, and thermodynamic stability) performed at Invitae indicates that this missense variant is not expected to disrupt CTNNA1 protein function with a negative predictive value of 80%. In summary, the available evidence is currently insufficient to determine the role of this variant in disease. Therefore, it has been classified as a Variant of Uncertain Significance.

Ambry Genetics
Classification: Uncertain significance for Hereditary cancer-predisposing syndrome. Last evaluated: 2024-01-30. Review status: criteria provided, single submitter. Criteria: Ambry Variant Classification Scheme 2023. Collection method: clinical testing. Allele origin: germline.
Comment: The p.R546Q variant (also known as c.1637G>A), located in coding exon 11 of the CTNNA1 gene, results from a G to A substitution at nucleotide position 1637. The arginine at codon 546 is replaced by glutamine, an amino acid with highly similar properties. This amino acid position is highly conserved in available vertebrate species. In addition, the in silico prediction for this alteration is inconclusive. The evidence for this gene-disease relationship is limited; therefore, the clinical significance of this alteration is unclear.